The following is an entry in ClinVar:

ClinVar aggregate classification (germline): Uncertain significance. Review status: criteria provided, multiple submitters, no conflicts (2 of 4 stars). 2 submissions from 2 submitters: Uncertain significance (2). Last evaluated 2026-01-20.

Conditions:
Brugada syndrome. Also called: Sudden Unexplained Death Syndrome; Sudden Unexplained Nocturnal Death Syndrome (SUNDS); Sudden unexpected nocturnal death syndrome; Sudden unexplained nocturnal death syndrome. Identifiers: Orphanet 130, MedGen C1142166, MONDO:0015263.

Allele frequency attached by ClinVar (database versions not stated): TOPMed 0.00002.

Submissions (2):

Labcorp Genetics (formerly Invitae), Labcorp
Classification: Uncertain significance for Brugada syndrome. Last evaluated: 2026-01-20. Review status: criteria provided, single submitter. Criteria: Invitae Variant Classification Sherloc (09022015). Collection method: clinical testing. Allele origin: germline.
Comment: This sequence change replaces glutamic acid, which is acidic and polar, with glutamine, which is neutral and polar, at codon 19 of the KCNE5 protein (p.Glu19Gln). This variant is present in population databases (rs374389286, gnomAD 0.004%). This variant has not been reported in the literature in individuals affected with KCNE5-related conditions. ClinVar contains an entry for this variant (Variation ID: 961237). An algorithm developed to predict the effect of missense changes on protein structure and function (PolyPhen-2) suggests that this variant is likely to be disruptive. In summary, the available evidence is currently insufficient to determine the role of this variant in disease. Therefore, it has been classified as a Variant of Uncertain Significance.

Ambry Genetics
Classification: Uncertain significance. Last evaluated: 2025-03-25. Review status: criteria provided, single submitter. Criteria: Ambry Variant Classification Scheme 2023. Collection method: clinical testing. Allele origin: germline.
Comment: The p.E19Q variant (also known as c.55G>C), located in coding exon 1 of the KCNE5 gene, results from a G to C substitution at nucleotide position 55. The glutamic acid at codon 19 is replaced by glutamine, an amino acid with highly similar properties. This amino acid position is conserved. In addition, this alteration is predicted to be tolerated by in silico analysis. Based on the available evidence, the clinical significance of this variant remains unclear.

NM_012282.4(KCNE5):c.55G>C (p.Glu19Gln)

Gene: KCNE5 (potassium voltage-gated channel subfamily E regulatory subunit 5; minus strand). Cytogenetic location: Xq23.
Variant type: single nucleotide variant.
Coding change: c.55G>C on transcript NM_012282.4 (MANE Select); coding-DNA position 55, G replaced by C.
Protein change: p.Glu19Gln; replaces glutamic acid 19 with glutamine.
Molecular consequence: missense variant.
Genome position (GRCh38, 1-based): chrX:109,624,966, C>G on the plus strand (G>C on the coding strand, the complement: KCNE5 is on the minus strand). VCF-style: chrX-109624966-C-G. GRCh37 (hg19) VCF-style: chrX-108868195-C-G.
Other names: short protein forms E19Q.
Identifiers: ClinVar variation 961237 (VCV000961237.10), dbSNP rs374389286, ClinGen allele CA10490907.